The following is an entry in ClinVar:

ClinVar aggregate classification (germline): Uncertain significance. Review status: criteria provided, multiple submitters, no conflicts (2 of 4 stars). 3 submissions from 3 submitters: Uncertain significance (3). Last evaluated 2024-11-02.

Conditions:
Hereditary cancer-predisposing syndrome. Also called: Neoplastic Syndromes, Hereditary; Tumor predisposition; Hereditary neoplastic syndrome; Hereditary Cancer Syndrome. Identifiers: Orphanet 140162, MedGen C0027672, MeSH D009386, MONDO:0015356.
Global developmental delay - lung cysts - overgrowth - Wilms tumor syndrome. Also called: GLOBAL DEVELOPMENTAL DELAY, LUNG CYSTS, OVERGROWTH, AND WILMS TUMOR; GLOW Syndrome. Identifiers: Orphanet 404476, MedGen C4748924, MONDO:0018445, OMIM 618272.
DICER1-related tumor predisposition. Also called: DICER1 syndrome; DICER1-related pleuropulmonary blastoma cancer predisposition syndrome. Identifiers: Orphanet 284343, MedGen C3839822, MONDO:0100216.

Submissions (3):

Labcorp Genetics (formerly Invitae), Labcorp
Classification: Uncertain significance for DICER1-related tumor predisposition. Last evaluated: 2024-11-02. Review status: criteria provided, single submitter. Criteria: Invitae Variant Classification Sherloc (09022015). Collection method: clinical testing. Allele origin: germline.
Comment: This sequence change replaces asparagine, which is neutral and polar, with threonine, which is neutral and polar, at codon 1455 of the DICER1 protein (p.Asn1455Thr). This variant is not present in population databases (gnomAD no frequency). This variant has not been reported in the literature in individuals affected with DICER1-related conditions. ClinVar contains an entry for this variant (Variation ID: 242108). Invitae Evidence Modeling of protein sequence and biophysical properties (such as structural, functional, and spatial information, amino acid conservation, physicochemical variation, residue mobility, and thermodynamic stability) indicates that this missense variant is not expected to disrupt DICER1 protein function with a negative predictive value of 95%. In summary, the available evidence is currently insufficient to determine the role of this variant in disease. Therefore, it has been classified as a Variant of Uncertain Significance.

Ambry Genetics
Classification: Uncertain significance for Hereditary cancer-predisposing syndrome. Last evaluated: 2024-06-05. Review status: criteria provided, single submitter. Criteria: Ambry Variant Classification Scheme 2023. Collection method: clinical testing. Allele origin: germline.
Comment: The p.N1455T variant (also known as c.4364A>C), located in coding exon 22 of the DICER1 gene, results from an A to C substitution at nucleotide position 4364. The asparagine at codon 1455 is replaced by threonine, an amino acid with similar properties. This amino acid position is not well conserved in available vertebrate species. In addition, this alteration is predicted to be tolerated by in silico analysis. Based on the available evidence, the clinical significance of this variant remains unclear.

Baylor Genetics
Classification: Uncertain significance for Global developmental delay - lung cysts - overgrowth - Wilms tumor syndrome. Last evaluated: 2024-03-29. Review status: criteria provided, single submitter. Criteria: ACMG Guidelines, 2015. Collection method: clinical testing. Allele origin: unknown.

NM_177438.3(DICER1):c.4364A>C (p.Asn1455Thr)

Gene: DICER1 (dicer 1, ribonuclease III; minus strand). Cytogenetic location: 14q32.13.
Variant type: single nucleotide variant.
Coding change: c.4364A>C on transcript NM_177438.3 (MANE Select); coding-DNA position 4364, A replaced by C.
Protein change: p.Asn1455Thr; replaces asparagine 1455 with threonine.
Molecular consequence: missense variant.
Genome position (GRCh38, 1-based): chr14:95,096,556, T>G on the plus strand (A>C on the coding strand, the complement: DICER1 is on the minus strand). VCF-style: chr14-95096556-T-G. GRCh37 (hg19) VCF-style: chr14-95562893-T-G.
Other names: c.4364A>C, p.Asn1455Thr (NM_001195573.1, NM_001271282.3, NM_001291628.2 and 1 more transcripts); short protein forms N1455T.
Identifiers: ClinVar variation 242108 (VCV000242108.16), dbSNP rs878855265, ClinGen allele CA10583194.
Genomic context (GRCh38, chr14:95,096,556, plus strand): 5'-GTGGTTGAAAAAGGAGAAAGAGAGATTTTCTTTACAAAAGCTCCTGACCCCATTAACATA[T>G]TATCTATAAATCTGATATGTTCCTGATCATACTCCAGGAAATCATCTTCATAGTCAGCCT-3'
Protein context (NP_803187.1, residues 1445-1465): YDQEHIRFID[Asn1455Thr]MLMGSGAFVK